The following is an entry in ClinVar:

NM_001164277.2(SLC37A4):c.1124+2dup

Gene: SLC37A4 (solute carrier family 37 member 4; minus strand). Cytogenetic location: 11q23.3.
Variant type: Duplication.
Coding change: c.1124+2dup on transcript NM_001164277.2 (MANE Select); the canonical splice donor site of the intron after coding-DNA position 1124, one base duplicated (T; older notation c.1124+2dupT).
Molecular consequence: splice donor variant.
Genome position (GRCh38, 1-based): chr11:119,025,189, A duplicated on the plus strand (T on the coding strand, the reverse complement: SLC37A4 is on the minus strand). VCF-style (leftmost placement, unchanged base first): chr11-119025188-T-TA. GRCh37 (hg19) VCF-style: chr11-118895898-T-TA.
Other names: c.1123+2dupT (NM_001164277.1, NM_001164277.2); c.905+2dup (NM_001164279.2); c.1124+2dup (NM_001467.6, NM_001164280.2); c.1190+2dup (NM_001164278.2).
Identifiers: ClinVar variation 633416 (VCV000633416.6), dbSNP rs1459811938, ClinGen allele CA672375118.

ClinVar aggregate classification (germline): Uncertain significance. Review status: criteria provided, multiple submitters, no conflicts (2 of 4 stars). 2 submissions from 2 submitters: Uncertain significance (2). Last evaluated 2025-03-01.

Conditions:
Glucose-6-phosphate transport defect (GSD1B). Also called: Glycogen Storage Disease Type Ib; GSD Ib. Identifiers: Orphanet 364, Orphanet 79259, MedGen C0268146, MONDO:0009288, OMIM 232220.

Allele frequency attached by ClinVar (database versions not stated): gnomAD exomes below 0.00001; gnomAD 0.00001 and 0.00002; TOPMed 0.00001.

Submissions (2):

Labcorp Genetics (formerly Invitae), Labcorp
Classification: Uncertain significance for Glucose-6-phosphate transport defect. Last evaluated: 2025-03-01. Review status: criteria provided, single submitter. Criteria: Invitae Variant Classification Sherloc (09022015). Collection method: clinical testing. Allele origin: germline.
Comment: This sequence change falls in intron 9 of the SLC37A4 gene. It does not directly change the encoded amino acid sequence of the SLC37A4 protein. It affects a nucleotide within the consensus splice site. This variant is not present in population databases (gnomAD no frequency). This variant has been observed in individual(s) with glycogen storage disease (PMID: 33977030). ClinVar contains an entry for this variant (Variation ID: 633416). Variants that disrupt the consensus splice site are a relatively common cause of aberrant splicing (PMID: 17576681, 9536098). Algorithms developed to predict the effect of sequence changes on RNA splicing suggest that this variant may disrupt the consensus splice site. In summary, the available evidence is currently insufficient to determine the role of this variant in disease. Therefore, it has been classified as a Variant of Uncertain Significance.

Women's Health and Genetics/Laboratory Corporation of America, LabCorp
Classification: Uncertain significance. Last evaluated: 2024-01-11. Review status: criteria provided, single submitter. Criteria: LabCorp Variant Classification Summary - May 2015. Collection method: clinical testing. Allele origin: germline.
Comment: Variant summary: SLC37A4 c.1123+2dupT alters a conserved nucleotide located close to a canonical splice site and therefore could affect mRNA splicing, leading to a significantly altered protein sequence. Several computational tools predict a significant impact on normal splicing: Four predict the variant abolishes a canonical 5' splicing donor site. However, these predictions have yet to be confirmed by functional studies. The variant was absent in 247958 control chromosomes (gnomAD). c.1123+2dupT has been reported in the literature in individuals affected with Glycogen Storage Disease Type Ib (Halligan_2021). These data indicate that the variant may be associated with disease. To our knowledge, no experimental evidence demonstrating an impact on protein function has been reported. The following publication has been ascertained in the context of this evaluation (PMID: 33977030). ClinVar contains an entry for this variant (Variation ID: 633416). Based on the evidence outlined above, the variant was classified as VUS-possibly pathogenic.

Literature cited by the submitters: PubMed 33977030 (cited by Labcorp Genetics (formerly Invitae), Labcorp and Women's Health and Genetics/Laboratory Corporation of America, LabCorp); PubMed 17576681 (cited by Labcorp Genetics (formerly Invitae), Labcorp); PubMed 9536098 (cited by Labcorp Genetics (formerly Invitae), Labcorp).